The following is an entry in ClinVar:

NM_006031.6(PCNT):c.5679C>A (p.Ala1893=)

Gene: PCNT (pericentrin; plus strand). Cytogenetic location: 21q22.3.
Variant type: single nucleotide variant.
Coding change: c.5679C>A on transcript NM_006031.6 (MANE Select); coding-DNA position 5679, C replaced by A.
Protein change: p.Ala1893=; no amino-acid change (alanine 1893 retained).
Molecular consequence: synonymous variant.
Genome position (GRCh38, 1-based): chr21:46,411,752, C>A. VCF-style: chr21-46411752-C-A. GRCh37 (hg19) VCF-style: chr21-47831666-C-A.
Other names: c.5325C>A, p.Ala1775= (NM_001315529.2); c.5679C>A (NM_006031.5).
Identifiers: ClinVar variation 4798832 (VCV004798832.2).

ClinVar aggregate classification (germline): Likely benign. Review status: criteria provided, multiple submitters, no conflicts (2 of 4 stars). 2 submissions from 2 submitters: Likely benign (2). Last evaluated 2025-11-04.

Conditions:
PCNT-related disorder. Also called: PCNT-related condition.

gnomAD v4.1: 13 of 1,610,760 alleles (0.00081%); highest among the groups gnomAD compares: Non-Finnish European, 0.0011%; no homozygotes.

Submissions (2):

PreventionGenetics, part of Exact Sciences
Classification: Likely benign for PCNT-related condition. Last evaluated: 2025-11-04. Review status: criteria provided, single submitter. Criteria: ACMG Guidelines, 2015. Collection method: clinical testing. Allele origin: germline.
Comment: This variant is classified as likely benign based on ACMG/AMP sequence variant interpretation guidelines (Richards et al. 2015 PMID: 25741868, with internal and published modifications).

Labcorp Genetics (formerly Invitae), Labcorp
Classification: Likely benign. Last evaluated: 2025-05-22. Review status: criteria provided, single submitter. Criteria: Invitae Variant Classification Sherloc (09022015). Collection method: clinical testing. Allele origin: germline.